The following is an entry in ClinVar:

NM_033400.3(ZFHX2):c.6471C>A (p.Phe2157Leu)

Genes: THTPA (thiamine triphosphatase; plus strand), ZFHX2 (zinc finger homeobox 2; minus strand). Cytogenetic location: 14q11.2.
Variant type: single nucleotide variant.
Coding change: c.6471C>A on transcript NM_033400.3 (MANE Select); coding-DNA position 6471, C replaced by A.
Protein change: p.Phe2157Leu; replaces phenylalanine 2157 with leucine.
Molecular consequence: missense variant.
Genome position (GRCh38, 1-based): chr14:23,523,471, G>T on the plus strand (C>A on the coding strand, the complement: ZFHX2 is on the minus strand). VCF-style: chr14-23523471-G-T. GRCh37 (hg19) VCF-style: chr14-23992680-G-T.
Other names: short protein forms F2157L.
Identifiers: ClinVar variation 2370966 (VCV002370966.4), dbSNP rs759715313, ClinGen allele CA257792374.

ClinVar aggregate classification (germline): Uncertain significance. Review status: criteria provided, multiple submitters, no conflicts (2 of 4 stars). 2 submissions from 2 submitters: Uncertain significance (2). Last evaluated 2026-04-27.

Allele frequency attached by ClinVar (database versions not stated): gnomAD 0.00002; gnomAD exomes 0.00005; TOPMed 0.00005.
gnomAD v4.1: 65 of 1,536,086 alleles (0.0042%); highest among the groups gnomAD compares: Non-Finnish European, 0.0056%; no homozygotes.

Submissions (2):

Women's Health and Genetics/Laboratory Corporation of America, LabCorp
Classification: Uncertain significance. Last evaluated: 2026-04-27. Review status: criteria provided, single submitter. Criteria: LabCorp Variant Classification Summary - May 2015. Collection method: clinical testing. Allele origin: germline.
Comment: Variant summary: ZFHX2 c.6471C>A (p.Phe2157Leu) results in a non-conservative amino acid change in the encoded protein sequence. Algorithms developed to predict the effect of missense changes on protein structure and function are either unavailable or do not agree on the potential impact of this missense change. The variant allele was found at a frequency of 2.2e-05 in 137670 control chromosomes. The available data on variant occurrences in the general population are insufficient to allow any conclusion about variant significance. To our knowledge, no occurrence of c.6471C>A in individuals affected with ZFHX2-related conditions and no experimental evidence demonstrating its impact on protein function have been reported. ClinVar contains an entry for this variant (Variation ID: 2370966). Based on the evidence outlined above, the variant was classified as uncertain significance.

Ambry Genetics
Classification: Uncertain significance. Last evaluated: 2024-09-24. Review status: criteria provided, single submitter. Criteria: Ambry Variant Classification Scheme 2023. Collection method: clinical testing. Allele origin: germline.